The following is an entry in ClinVar:

NM_005431.2(XRCC2):c.85C>T (p.Pro29Ser)

Gene: XRCC2 (X-ray repair cross complementing 2; minus strand). Cytogenetic location: 7q36.1.
Variant type: single nucleotide variant.
Coding change: c.85C>T on transcript NM_005431.2 (MANE Select); coding-DNA position 85, C replaced by T.
Protein change: p.Pro29Ser; replaces proline 29 with serine.
Molecular consequence: missense variant.
Genome position (GRCh38, 1-based): chr7:152,660,737, G>A on the plus strand (C>T on the coding strand, the complement: XRCC2 is on the minus strand). VCF-style: chr7-152660737-G-A. GRCh37 (hg19) VCF-style: chr7-152357822-G-A.
Other names: short protein forms P29S.
Identifiers: ClinVar variation 1013696 (VCV001013696.8), dbSNP rs2098032742, ClinGen allele CA370199468.

ClinVar aggregate classification (germline): Uncertain significance (1 of 4 stars; one submission).

Submission:

Labcorp Genetics (formerly Invitae), Labcorp
Classification: Uncertain significance. Last evaluated: 2020-03-06. Review status: criteria provided, single submitter. Criteria: Invitae Variant Classification Sherloc (09022015). Collection method: clinical testing. Allele origin: germline.
Comment: In summary, the available evidence is currently insufficient to determine the role of this variant in disease. Therefore, it has been classified as a Variant of Uncertain Significance. Algorithms developed to predict the effect of missense changes on protein structure and function are either unavailable or do not agree on the potential impact of this missense change (SIFT: "Deleterious"; PolyPhen-2: "Probably Damaging"; Align-GVGD: "Class C0"). This variant has not been reported in the literature in individuals with XRCC2-related conditions. This variant is not present in population databases (ExAC no frequency). This sequence change replaces proline with serine at codon 29 of the XRCC2 protein (p.Pro29Ser). The proline residue is highly conserved and there is a moderate physicochemical difference between proline and serine.